The following is an entry in ClinVar:

ClinVar aggregate classification (germline): Conflicting classifications of pathogenicity. Review status: criteria provided, conflicting classifications (1 of 4 stars). 4 submissions from 4 submitters: Likely pathogenic (1); Uncertain significance (3). Last evaluated 2026-06-16.

Conditions:
Inborn genetic diseases. Identifiers: MedGen C0950123, MeSH D030342.
Developmental and epileptic encephalopathy, 18 (DEE18). Also called: Early infantile epileptic encephalopathy 18. Identifiers: Orphanet 369894, MedGen C3809624, MONDO:0014201, OMIM 615476.

Allele frequency attached by ClinVar (database versions not stated): TOPMed 0.00001.
gnomAD v4.1: 38 of 1,606,360 alleles (0.0024%); highest among the groups gnomAD compares: Non-Finnish European, 0.0031%; no homozygotes.

Submissions (4):

GeneDx
Classification: Likely pathogenic. Last evaluated: 2026-06-16. Review status: criteria provided, single submitter. Criteria: GeneDx Variant Classification Process June 2021. Collection method: clinical testing. Allele origin: germline.
Comment: Not observed at significant frequency in large population cohorts (gnomAD); In silico analysis supports that this missense variant has a deleterious effect on protein structure/function; Has not been previously published as pathogenic or benign to our knowledge

Ambry Genetics
Classification: Uncertain significance for Inborn genetic diseases. Last evaluated: 2025-05-15. Review status: criteria provided, single submitter. Criteria: Ambry Variant Classification Scheme 2023. Collection method: clinical testing. Allele origin: germline.
Comment: The c.6896G>T (p.R2299L) alteration is located in exon 50 (coding exon 50) of the SZT2 gene. This alteration results from a G to T substitution at nucleotide position 6896, causing the arginine (R) at amino acid position 2299 to be replaced by a leucine (L). This variant was not reported in population-based cohorts in the Genome Aggregation Database (gnomAD). This amino acid position is highly conserved in available vertebrate species. This alteration is predicted to be deleterious by in silico analysis. Based on insufficient or conflicting evidence, the clinical significance of this alteration remains unclear.

Labcorp Genetics (formerly Invitae), Labcorp
Classification: Uncertain significance. Last evaluated: 2024-04-24. Review status: criteria provided, single submitter. Criteria: Invitae Variant Classification Sherloc (09022015). Collection method: clinical testing. Allele origin: germline.
Comment: This sequence change replaces arginine, which is basic and polar, with leucine, which is neutral and non-polar, at codon 2299 of the SZT2 protein (p.Arg2299Leu). This variant is not present in population databases (gnomAD no frequency). This variant has not been reported in the literature in individuals affected with SZT2-related conditions. ClinVar contains an entry for this variant (Variation ID: 956600). Advanced modeling of protein sequence and biophysical properties (such as structural, functional, and spatial information, amino acid conservation, physicochemical variation, residue mobility, and thermodynamic stability) performed at Invitae indicates that this missense variant is expected to disrupt SZT2 protein function with a positive predictive value of 80%. In summary, the available evidence is currently insufficient to determine the role of this variant in disease. Therefore, it has been classified as a Variant of Uncertain Significance.

Genome-Nilou Lab
Classification: Uncertain significance for Developmental and epileptic encephalopathy, 18. Last evaluated: 2023-04-11. Review status: criteria provided, single submitter. Criteria: ACMG Guidelines, 2015. Collection method: clinical testing. Allele origin: germline. Affected: no.

NM_001365999.1(SZT2):c.7067G>T (p.Arg2356Leu)

Gene: SZT2 (SZT2 subunit of KICSTOR complex; plus strand). Cytogenetic location: 1p34.2.
Variant type: single nucleotide variant.
Coding change: c.7067G>T on transcript NM_001365999.1 (MANE Select); coding-DNA position 7067, G replaced by T.
Protein change: p.Arg2356Leu; replaces arginine 2356 with leucine.
Molecular consequence: missense variant.
Genome position (GRCh38, 1-based): chr1:43,439,905, G>T. VCF-style: chr1-43439905-G-T. GRCh37 (hg19) VCF-style: chr1-43905576-G-T.
Other names: c.6896G>T, p.Arg2299Leu (NM_015284.4); short protein forms R2299L, R2356L.
Identifiers: ClinVar variation 956600 (VCV000956600.11), dbSNP rs749570750, ClinGen allele CA340033191.
Genomic context (GRCh38, chr1:43,439,905, plus strand): 5'-TAGGGACACCCTCAAGTGTCCCTGTTCTCCTTCCAGCTCAGAATGGGGCCCCACGGCTTC[G>T]ATTGGATGTGTGGGAAAAGGGGAACATTAGTATTGTGCAGCTGGAGGAGAAACTCCGAGG-3'
Protein context (NP_001352928.1, residues 2346-2366): SSAQNGAPRL[Arg2356Leu]LDVWEKGNIS